The following is an entry in ClinVar:

NM_181523.3(PIK3R1):c.1916G>A (p.Arg639Gln)

Gene: PIK3R1 (phosphoinositide-3-kinase regulatory subunit 1; plus strand). Cytogenetic location: 5q13.1.
Variant type: single nucleotide variant.
Coding change: c.1916G>A on transcript NM_181523.3 (MANE Select); coding-DNA position 1916, G replaced by A.
Protein change: p.Arg639Gln; replaces arginine 639 with glutamine.
Molecular consequence: missense variant.
Genome position (GRCh38, 1-based): chr5:68,296,272, G>A. VCF-style: chr5-68296272-G-A. GRCh37 (hg19) VCF-style: chr5-67592100-G-A.
Other names: c.827G>A, p.Arg276Gln (NM_001242466.2); c.1106G>A, p.Arg369Gln (NM_181504.4); c.1016G>A, p.Arg339Gln (NM_181524.2); short protein forms R369Q, R639Q, R339Q, R276Q.
Identifiers: ClinVar variation 4788110 (VCV004788110.1).

ClinVar aggregate classification (germline): Uncertain significance (1 of 4 stars; one submission).

Conditions:
Agammaglobulinemia 7, autosomal recessive (AGM7). Also called: AGAMMAGLOBULINEMIA, AUTOSOMAL RECESSIVE, DUE TO PIK3R1 DEFECT. Identifiers: MedGen C3554689, MONDO:0014083, OMIM 615214.
SHORT syndrome. Also called: SHORT STATURE, HYPEREXTENSIBILITY, HERNIA, OCULAR DEPRESSION, RIEGER ANOMALY, AND TEETHING DELAY; LIPODYSTROPHY, PARTIAL, WITH RIEGER ANOMALY AND SHORT STATURE; PIK3R1-Related SHORT Syndrome. Identifiers: Orphanet 3163, MedGen C0878684, MONDO:0010026, OMIM 269880.
Immunodeficiency 36 with lymphoproliferation. Also called: Immunodeficiency 36; Activated PI3K Delta Syndrome Type 2 (APDS2); ACTIVATED PI3K-DELTA SYNDROME 2. Identifiers: Orphanet 397596, Orphanet 693681, MedGen C4014934, MONDO:0014453, OMIM 616005.

gnomAD v4.1: 10 of 1,614,090 alleles (0.00062%); highest among the groups gnomAD compares: South Asian, 0.0022%; no homozygotes.

Submission:

Labcorp Genetics (formerly Invitae), Labcorp
Classification: Uncertain significance for SHORT syndrome; Immunodeficiency 36 with lymphoproliferation; Agammaglobulinemia 7, autosomal recessive. Last evaluated: 2026-01-27. Review status: criteria provided, single submitter. Criteria: Invitae Variant Classification Sherloc (09022015). Collection method: clinical testing. Allele origin: germline.
Comment: This sequence change replaces arginine, which is basic and polar, with glutamine, which is neutral and polar, at codon 639 of the PIK3R1 protein (p.Arg639Gln). This variant is present in population databases (rs767725392, gnomAD 0.003%). This variant has not been reported in the literature in individuals affected with PIK3R1-related conditions. Invitae Evidence Modeling of protein sequence and biophysical properties (such as structural, functional, and spatial information, amino acid conservation, physicochemical variation, residue mobility, and thermodynamic stability) indicates that this missense variant is not expected to disrupt PIK3R1 protein function with a negative predictive value of 80%. In summary, the available evidence is currently insufficient to determine the role of this variant in disease. Therefore, it has been classified as a Variant of Uncertain Significance.